The following is an entry in ClinVar:

ClinVar aggregate classification (germline): Likely pathogenic (1 of 4 stars; one submission).

Conditions:
Congenital hyperammonemia, type I. Also called: Carbamoyl phosphate synthetase 1 deficiency; Hyperammonemia due to carbamoyl phosphate synthetase 1 deficiency; CPS 1 deficiency; Carbamyl phosphate synthetase (CPS) deficiency; Carbamoyl-phosphate synthase I deficiency; CPS I DEFICIENCY. Identifiers: Orphanet 147, MedGen C4082171, MONDO:0009376, OMIM 237300.

Allele frequency attached by ClinVar (database versions not stated): TOPMed below 0.00001.

Submission:

Labcorp Genetics (formerly Invitae), Labcorp
Classification: Likely pathogenic for Congenital hyperammonemia, type I. Last evaluated: 2022-05-15. Review status: criteria provided, single submitter. Criteria: Invitae Variant Classification Sherloc (09022015). Collection method: clinical testing. Allele origin: germline.
Comment: In summary, the currently available evidence indicates that the variant is pathogenic, but additional data are needed to prove that conclusively. Therefore, this variant has been classified as Likely Pathogenic. Algorithms developed to predict the effect of sequence changes on RNA splicing suggest that this variant may disrupt the consensus splice site. This sequence change affects a donor splice site in intron 23 of the CPS1 gene. It is expected to disrupt RNA splicing. Variants that disrupt the donor or acceptor splice site typically lead to a loss of protein function (PMID: 16199547), and loss-of-function variants in CPS1 are known to be pathogenic (PMID: 21120950). This variant is not present in population databases (gnomAD no frequency). Disruption of this splice site has been observed in individual(s) with carbamoyl phosphate synthetase I (CPS1) deficiency (PMID: 21120950).

Literature cited by the submitters: PubMed 16199547; PubMed 21120950.

NM_001875.5(CPS1):c.2895+1G>A

Gene: CPS1 (carbamoyl-phosphate synthase 1; plus strand). Cytogenetic location: 2q34.
Variant type: single nucleotide variant.
Coding change: c.2895+1G>A on transcript NM_001875.5 (MANE Select); the canonical splice donor site of the intron after coding-DNA position 2895, G replaced by A.
Molecular consequence: splice donor variant.
Genome position (GRCh38, 1-based): chr2:210,639,216, G>A. VCF-style: chr2-210639216-G-A. GRCh37 (hg19) VCF-style: chr2-211503940-G-A.
Other names: c.2895+1G>A (NM_001369257.1, NM_001122633.3); c.2928+1G>A (NM_001369256.1).
Identifiers: ClinVar variation 2203250 (VCV002203250.4), dbSNP rs1700132195, ClinGen allele CA350432060.